The following is an entry in ClinVar:

NM_001353108.3(CEP63):c.1455_1456insATGAAATTG (p.Leu485_Gly486insMetLysLeu)

Gene: CEP63 (centrosomal protein 63; plus strand). Cytogenetic location: 3q22.2.
Variant type: Insertion.
Coding change: c.1455_1456insATGAAATTG on transcript NM_001353108.3 (MANE Select); coding-DNA positions 1455 to 1456, ATGAAATTG inserted.
Protein change: p.Leu485_Gly486insMetLysLeu.
Molecular consequence: inframe insertion. On other transcripts: non-coding transcript variant (4).
Genome position: GRCh38 VCF-style: chr3-134551995-G-GAATTGATGA. GRCh37 (hg19) VCF-style: chr3-134270837-G-GAATTGATGA.
Other names: c.1317_1318insATGAAATTG, p.Leu439_Gly440insMetLysLeu (NM_001042383.2, NM_001042384.2, NM_001353109.1 and 6 more transcripts); c.1455_1456insATGAAATTG, p.Leu485_Gly486insMetLysLeu (NM_001042400.3, NM_001353110.1, NM_001353111.2 and 4 more transcripts); c.1344_1345insATGAAATTG, p.Leu448_Gly449insMetLysLeu (NM_001353118.1); c.1233_1234insATGAAATTG, p.Leu411_Gly412insMetLysLeu (NM_001353125.2); c.954_955insATGAAATTG, p.Leu318_Gly319insMetLysLeu (NM_001353126.2).
Identifiers: ClinVar variation 1465048 (VCV001465048.3), dbSNP rs752128612, ClinGen allele CA2628670.

ClinVar aggregate classification (germline): Uncertain significance (1 of 4 stars; one submission).

Submission:

Labcorp Genetics (formerly Invitae), Labcorp
Classification: Uncertain significance. Last evaluated: 2022-02-18. Review status: criteria provided, single submitter. Criteria: Invitae Variant Classification Sherloc (09022015). Collection method: clinical testing. Allele origin: germline.
Comment: This variant, c.1455_1456insATGAAATTG, results in the insertion of 3 amino acid(s) of the CEP63 protein (p.Leu485_Gly486insMetLysLeu), but otherwise preserves the integrity of the reading frame. This variant is present in population databases (rs752128612, gnomAD 0.02%). This variant has not been reported in the literature in individuals affected with CEP63-related conditions. Experimental studies and prediction algorithms are not available or were not evaluated, and the functional significance of this variant is currently unknown. In summary, the available evidence is currently insufficient to determine the role of this variant in disease. Therefore, it has been classified as a Variant of Uncertain Significance.